The following is an entry in ClinVar:

NM_000138.5(FBN1):c.814A>C (p.Lys272Gln)

Gene: FBN1 (fibrillin 1; minus strand). Cytogenetic location: 15q21.1.
Variant type: single nucleotide variant.
Coding change: c.814A>C on transcript NM_000138.5 (MANE Select); coding-DNA position 814, A replaced by C.
Protein change: p.Lys272Gln; replaces lysine 272 with glutamine.
Molecular consequence: missense variant.
Genome position (GRCh38, 1-based): chr15:48,534,128, T>G on the plus strand (A>C on the coding strand, the complement: FBN1 is on the minus strand). VCF-style: chr15-48534128-T-G. GRCh37 (hg19) VCF-style: chr15-48826325-T-G.
Other names: p.K272Q:AAA>CAA; short protein forms K272Q.
Identifiers: ClinVar variation 199959 (VCV000199959.11), dbSNP rs762276905, ClinGen allele CA017572.

ClinVar aggregate classification (germline): Uncertain significance. Review status: criteria provided, multiple submitters, no conflicts (2 of 4 stars). 6 submissions from 6 submitters: Uncertain significance (6). Last evaluated 2026-08-17.

Conditions:
Marfan syndrome (MFS). Also called: Marfan syndrome, classic; FBN1-Related Marfan Syndrome; Marfan syndrome type 1; Marfan's syndrome; MARFAN SYNDROME, TYPE I. Identifiers: Orphanet 284963, Orphanet 558, MedGen C0024796, MONDO:0007947, OMIM 154700.
Familial thoracic aortic aneurysm and aortic dissection (TAAD). Also called: Thoracic aortic aneurysms and dissections. Identifiers: Orphanet 91387, MedGen C4707243, MONDO:0019625.
FBN1-related disorder. Also called: FBN1-related disorders.

Allele frequency attached by ClinVar (database versions not stated): gnomAD exomes 0.00001; TOPMed 0.00002; ExAC 0.00001; gnomAD 0.00001.
gnomAD v4.1: 23 of 1,613,802 alleles (0.0014%); highest among the groups gnomAD compares: Admixed American, 0.0033%; no homozygotes.

Submissions (6):

PreventionGenetics, part of Exact Sciences
Classification: Uncertain significance for FBN1-related condition. Last evaluated: 2026-08-17. Review status: criteria provided, single submitter. Criteria: ACMG Guidelines, 2015. Collection method: clinical testing. Allele origin: germline.
Comment: The FBN1 c.814A>C variant is predicted to result in the amino acid substitution p.Lys272Gln. This variant has been reported as a variant of uncertain significance in a study of individuals with thoracic aortic aneurysm and dissection (Table S1, Arnaud et al. 2019. PubMed ID: 30739908). This variant is reported in 0.0028% of alleles in individuals of Latino descent in gnomAD. At this time, the clinical significance of this variant is uncertain due to the absence of conclusive functional and genetic evidence.

Color Diagnostics, LLC DBA Color Health
Classification: Uncertain significance for Familial thoracic aortic aneurysm and aortic dissection. Last evaluated: 2024-09-23. Review status: criteria provided, single submitter. Criteria: ACMG Guidelines, 2015. Collection method: clinical testing. Allele origin: germline.
Comment: This missense variant replaces lysine with glutamine at codon 272 of the FBN1 protein. Computational prediction tools indicate that this variant's impact on protein structure and function is inconclusive. To our knowledge, functional studies have not been reported for this variant. This variant has been reported in an individual affected with nonsyndromic thoracic aortic aneurysms and dissections (PMID: 30739908). This variant has been identified in 3/282790 chromosomes in the general population by the Genome Aggregation Database (gnomAD). The available evidence is insufficient to determine the role of this variant in disease conclusively. Therefore, this variant is classified as a Variant of Uncertain Significance.

All of Us Research Program, National Institutes of Health
Classification: Uncertain significance for Marfan syndrome. Last evaluated: 2023-11-02. Review status: criteria provided, single submitter. Criteria: ACMG Guidelines, 2015. Collection method: clinical testing. Allele origin: germline. Inheritance: Autosomal dominant inheritance. Observed: 3 variant alleles, 3 heterozygotes.
Comment: This missense variant replaces lysine with glutamine at codon 272 of the FBN1 protein. Computational prediction is inconclusive regarding the impact of this variant on protein structure and function (internally defined REVEL score threshold 0.5 < inconclusive < 0.7, PMID: 27666373). To our knowledge, functional studies have not been reported for this variant. This variant has been reported in an individual affected with nonsyndromic thoracic aortic aneurysms and dissections (PMID: 30739908). This variant has been identified in 3/282790 chromosomes in the general population by the Genome Aggregation Database (gnomAD). The available evidence is insufficient to determine the role of this variant in disease conclusively. Therefore, this variant is classified as a Variant of Uncertain Significance.

This study involves interpretation of variants in research participants for the purpose of population health screening. Participant phenotype was not available at the time of variant classification. Additional details can be found in publication PMID: 35346344, PMCID: PMC8962531

Labcorp Genetics (formerly Invitae), Labcorp
Classification: Uncertain significance for Marfan syndrome; Familial thoracic aortic aneurysm and aortic dissection. Last evaluated: 2022-09-22. Review status: criteria provided, single submitter. Criteria: Invitae Variant Classification Sherloc (09022015). Collection method: clinical testing. Allele origin: germline.
Comment: ClinVar contains an entry for this variant (Variation ID: 199959). This missense change has been observed in individual(s) with thoracic aortic aneurysms and/or dissections (PMID: 30739908). This variant is present in population databases (rs762276905, gnomAD 0.003%). This sequence change replaces lysine, which is basic and polar, with glutamine, which is neutral and polar, at codon 272 of the FBN1 protein (p.Lys272Gln). Advanced modeling of protein sequence and biophysical properties (such as structural, functional, and spatial information, amino acid conservation, physicochemical variation, residue mobility, and thermodynamic stability) has been performed at Invitae for this missense variant, however the output from this modeling did not meet the statistical confidence thresholds required to predict the impact of this variant on FBN1 protein function. In summary, the available evidence is currently insufficient to determine the role of this variant in disease. Therefore, it has been classified as a Variant of Uncertain Significance.

Mendelics
Classification: Uncertain significance. Last evaluated: 2022-05-04. Review status: criteria provided, single submitter. Criteria: Mendelics Assertion Criteria 2019. Collection method: clinical testing. Allele origin: germline.

GeneDx
Classification: Uncertain significance. Last evaluated: 2013-08-19. Review status: criteria provided, single submitter. Criteria: GeneDx Variant Classification (06012015). Collection method: clinical testing. Allele origin: germline. Affected: yes.
Comment: p.Lys272Gln (AAA>CAA): c.814 A>C in exon 8 of the FBN1 gene (NM_000138.4) The Lys272Gln variant in the FBN1 gene has not been reported as a disease-causing mutation or as a benign polymorphism to our knowledge. The Lys272Gln variant was not observed in approximately 6,500 individuals of European and African American ancestry in the NHLBI Exome Sequencing Project, indicating it is not a common benign variant in these populations. Lys272Gln results in a semi-conservative amino acid substitution of a positively charged Lysine residue to a neutral, polar Glutamine at a position that is is conserved across species. In silico algorithms are not consistent in their predictions but at least two concur Lys272Gln is damaging to the protein structure/function. A mutation in a nearby residue (Gly267Arg) has been reported in association with Marfan syndrome, supporting the functional importance of this region of the protein. However, Cysteine substitutions in FBN1 represent the vast majority of pathogenic missense changes associated with Marfan syndrome.With the clinical and molecular information available at this time, we cannot definitively determine if Lys272Gln is a disease-causing mutation or a rare benign variant. The variant is found in TAAD panel(s).

Literature cited by the submitters: PubMed 30739908 (cited by 3 submitters).